The following is an entry in ClinVar:

ClinVar aggregate classification (germline): Likely pathogenic (1 of 4 stars; one submission).

Submission:

Labcorp Genetics (formerly Invitae), Labcorp
Classification: Likely pathogenic. Last evaluated: 2025-08-06. Review status: criteria provided, single submitter. Criteria: Invitae Variant Classification Sherloc (09022015). Collection method: clinical testing. Allele origin: germline.
Comment: This sequence change affects an acceptor splice site in intron 23 of the ATP2C1 gene. It is expected to disrupt RNA splicing. Variants that disrupt the donor or acceptor splice site typically lead to a loss of protein function (PMID: 16199547), and loss-of-function variants in ATP2C1 are known to be pathogenic (PMID: 10615129, 10767338, 11841554). This variant is not present in population databases (gnomAD no frequency). This variant has not been reported in the literature in individuals affected with ATP2C1-related conditions. Algorithms developed to predict the effect of sequence changes on RNA splicing suggest that this variant may disrupt the consensus splice site. In summary, the currently available evidence indicates that the variant is pathogenic, but additional data are needed to prove that conclusively. Therefore, this variant has been classified as Likely Pathogenic.

Literature cited by the submitters: PubMed 16199547; PubMed 10615129; PubMed 10767338; PubMed 11841554.

NM_001378687.1(ATP2C1):c.2244-2A>G

Gene: ATP2C1 (ATPase secretory pathway Ca2+ transporting 1; plus strand). Cytogenetic location: 3q22.1.
Variant type: single nucleotide variant.
Coding change: c.2244-2A>G on transcript NM_001378687.1 (MANE Select); the canonical splice acceptor site of the intron before coding-DNA position 2244, A replaced by G.
Molecular consequence: splice acceptor variant.
Genome position (GRCh38, 1-based): chr3:130,997,604, A>G. VCF-style: chr3-130997604-A-G. GRCh37 (hg19) VCF-style: chr3-130716448-A-G.
Other names: c.2346-2A>G (NM_001378511.1, NM_001199180.2, NM_001199181.3); c.2229-2A>G (NM_001199182.2); c.2244-2A>G (NM_001001486.2, NM_001001487.2, NM_001001485.3 and 5 more transcripts); c.2196-2A>G (NM_001378514.1, NM_001199183.2, NM_001199184.3).
Identifiers: ClinVar variation 4724922 (VCV004724922.1).
Genomic context (GRCh38, chr3:130,997,604, plus strand): 5'-TGAAAGTAACAAATCCAGACCTTAAAACTTGAAAGTAATTTATTTTTCTGTTTGTTTTTA[A>G]GCCTTGGAGTAGAACCAGTGGATAAAGATGTCATTCGTAAACCTCCTCGCAACTGGAAAG-3'